The following is an entry in ClinVar:

ClinVar aggregate classification (germline): Likely benign. Review status: criteria provided, multiple submitters, no conflicts (2 of 4 stars). 4 submissions from 4 submitters: Likely benign (3). 1 of the submissions does not count toward it. Last evaluated 2025-09-15.

Conditions:
KCNQ5-related disorder. Also called: KCNQ5-related condition.

Allele frequency attached by ClinVar (database versions not stated): ESP Exome Variant Server 0.00008; gnomAD 0.00026 and 0.00027.
gnomAD v4.1: 484 of 1,612,648 alleles (0.03%); highest among the groups gnomAD compares: Non-Finnish European, 0.039%; no homozygotes.

Submissions (4):

Labcorp Genetics (formerly Invitae), Labcorp
Classification: Likely benign. Last evaluated: 2025-09-15. Review status: criteria provided, single submitter. Criteria: Invitae Variant Classification Sherloc (09022015). Collection method: clinical testing. Allele origin: germline.

Blueprint Genetics
Classification: Likely benign. Last evaluated: 2024-11-23. Review status: criteria provided, single submitter. Criteria: ACMG Guidelines, 2015. Collection method: clinical testing. Allele origin: germline.

CeGaT Center for Human Genetics Tuebingen
Classification: Likely benign. Last evaluated: 2024-02-01. Review status: criteria provided, single submitter. Criteria: CeGaT Center For Human Genetics Tuebingen Variant Classification Criteria Version 2. Collection method: clinical testing. Allele origin: germline. Affected: yes. Observed: 4 variant alleles.
Comment: KCNQ5: BP4, BP7

PreventionGenetics, part of Exact Sciences
Classification: Likely benign for KCNQ5-related condition. Last evaluated: 2019-06-05. Review status: no assertion criteria provided. Collection method: clinical testing. Allele origin: germline. Not counted in ClinVar's aggregate classification.
Comment: This variant is classified as likely benign based on ACMG/AMP sequence variant interpretation guidelines (Richards et al. 2015 PMID: 25741868, with internal and published modifications).

NM_019842.4(KCNQ5):c.366C>T (p.Pro122=)

Genes: KCNQ5 (potassium voltage-gated channel subfamily Q member 5; plus strand), KCNQ5-DT (KCNQ5 divergent transcript; minus strand). Cytogenetic location: 6q13.
Variant type: single nucleotide variant.
Coding change: c.366C>T on transcript NM_019842.4 (MANE Select); coding-DNA position 366, C replaced by T.
Protein change: p.Pro122=; no amino-acid change (proline 122 retained).
Molecular consequence: synonymous variant.
Genome position (GRCh38, 1-based): chr6:72,622,555, C>T. VCF-style: chr6-72622555-C-T. GRCh37 (hg19) VCF-style: chr6-73332283-C-T.
Other names: c.366C>T (NM_001160133.1); c.366C>T, p.Pro122= (NM_001160130.2, NM_001160132.2, NM_001160133.2 and 1 more transcripts).
Identifiers: ClinVar variation 1561143 (VCV001561143.39), dbSNP rs150254819, ClinGen allele CA3886713.